The following is an entry in ClinVar:

NM_001009999.3(KDM1A):c.809A>G (p.His270Arg)

Gene: KDM1A (lysine demethylase 1A; plus strand). Cytogenetic location: 1p36.12.
Variant type: single nucleotide variant.
Coding change: c.809A>G on transcript NM_001009999.3 (MANE Select); coding-DNA position 809, A replaced by G.
Protein change: p.His270Arg; replaces histidine 270 with arginine.
Molecular consequence: missense variant.
Genome position (GRCh38, 1-based): chr1:23,055,087, A>G. VCF-style: chr1-23055087-A-G. GRCh37 (hg19) VCF-style: chr1-23381580-A-G.
Other names: c.749A>G, p.His250Arg (NM_001363654.2, NM_001410763.1, NM_015013.4); c.809A>G, p.His270Arg (NM_001410762.1); short protein forms H250R, H270R.
Identifiers: ClinVar variation 4826117 (VCV004826117.1).
Genomic context (GRCh38, chr1:23,055,087, plus strand): 5'-TGCTGAAAATAAAACCGTGTTTTTAATCCACTTATTCTGTAGGTGATACTGTGCTTGTCC[A>G]CCGAGTTCACAGTTATTTAGAGCGTCATGGTCTTATCAACTTCGGCATCTATAAGAGGAT-3'
Protein context (NP_001009999.1, residues 260-280): APYNSDTVLV[His270Arg]RVHSYLERHG

ClinVar aggregate classification (germline): Uncertain significance (1 of 4 stars; one submission).

Conditions:
Inborn genetic diseases. Identifiers: MedGen C0950123, MeSH D030342.

Submission:

Ambry Genetics
Classification: Uncertain significance for Inborn genetic diseases. Last evaluated: 2026-03-07. Review status: criteria provided, single submitter. Criteria: Ambry Variant Classification Scheme 2023. Collection method: clinical testing. Allele origin: germline.
Comment: The p.H270R variant (also known as c.809A>G), located in coding exon 6 of the KDM1A gene, results from an A to G substitution at nucleotide position 809. The histidine at codon 270 is replaced by arginine, an amino acid with highly similar properties. This amino acid position is conserved. In addition, the in silico prediction for this alteration is inconclusive. Based on the available evidence, the clinical significance of this variant remains unclear.